The following is an entry in ClinVar:

NM_194323.3(OTOF):c.3688del (p.Ala1230fs)

Gene: OTOF (otoferlin; minus strand). Cytogenetic location: 2p23.3.
Variant type: Deletion.
Coding change: c.3688del on transcript NM_194323.3 (MANE Plus Clinical); coding-DNA position 3688, one base deleted (G; older notation c.3688delG).
Protein change: p.Ala1230fs; shifts the reading frame from alanine 1230.
Molecular consequence: frameshift variant. On other transcripts: 3 prime UTR variant (3).
Genome position (GRCh38, 1-based): chr2:26,458,045, C deleted on the plus strand (G on the coding strand, the reverse complement: OTOF is on the minus strand); the first of 4 consecutive C bases (chr2:26,458,045-26,458,048); deleting any one gives the same sequence. VCF-style (leftmost placement, unchanged base first): chr2-26458044-GC-G. GRCh37 (hg19) VCF-style: chr2-26680912-GC-G.
Other names: c.5989del, p.Ala1997fs (NM_001287489.2); c.*193del (NM_004802.4, NM_194248.3, NM_194322.3); short protein forms A1230fs, A1997fs.
Identifiers: ClinVar variation 4879917 (VCV004879917.1).

ClinVar aggregate classification (germline): Likely pathogenic (0 of 4 stars; one submission).

Conditions:
Autosomal recessive nonsyndromic hearing loss 9. Also called: NEUROSENSORY NONSYNDROMIC RECESSIVE DEAFNESS 9; OTOF-Related Hearing Loss; Deafness, autosomal recessive 9; AUDITORY NEUROPATHY, AUTOSOMAL RECESSIVE, 1, TEMPERATURE-SENSITIVE. Identifiers: Orphanet 90636, MedGen C1832828, MONDO:0010986, OMIM 601071.

Submission:

Diagnosis and Treatment Center of Genetic Hearing Loss, Eye & ENT Hospital of Fudan University
Classification: Likely pathogenic for Autosomal recessive nonsyndromic hearing loss 9. Last evaluated: 2026-02-04. Review status: no assertion criteria provided. Collection method: clinical testing. Allele origin: germline. Inheritance: Autosomal recessive inheritance. Affected: yes.
Comment: The c.5989del variant in OTOF is a frameshift deletion predicted to disrupt the stop codon and extend the protein (PM4). It is absent from population databases (PM2_Supporting). The phenotype is consistent with auditory neuropathy (PP4).